The following is an entry in ClinVar:

NM_001354768.3(NRL):c.103C>T (p.Pro35Ser)

Gene: NRL (neural retina leucine zipper; minus strand). Cytogenetic location: 14q11.2.
Variant type: single nucleotide variant.
Coding change: c.103C>T on transcript NM_001354768.3 (MANE Select); coding-DNA position 103, C replaced by T.
Protein change: p.Pro35Ser; replaces proline 35 with serine.
Molecular consequence: missense variant. On other transcripts: intron variant (1).
Genome position (GRCh38, 1-based): chr14:24,082,746, G>A on the plus strand (C>T on the coding strand, the complement: NRL is on the minus strand). VCF-style: chr14-24082746-G-A. GRCh37 (hg19) VCF-style: chr14-24551955-G-A.
Other names: c.103C>T, p.Pro35Ser (NM_001354769.1, NM_006177.5); c.66+37C>T (NM_001354770.2); short protein forms P35S.
Identifiers: ClinVar variation 1063357 (VCV001063357.9), dbSNP rs374903210, ClinGen allele CA389282199.

ClinVar aggregate classification (germline): Uncertain significance (1 of 4 stars; one submission).

gnomAD v4.1: 2 of 1,614,206 alleles (0.00012%); highest among the groups gnomAD compares: Non-Finnish European, 0.00017%; no homozygotes.

Submission:

Labcorp Genetics (formerly Invitae), Labcorp
Classification: Uncertain significance. Last evaluated: 2023-07-19. Review status: criteria provided, single submitter. Criteria: Invitae Variant Classification Sherloc (09022015). Collection method: clinical testing. Allele origin: germline.
Comment: This sequence change replaces proline, which is neutral and non-polar, with serine, which is neutral and polar, at codon 35 of the NRL protein (p.Pro35Ser). This variant is not present in population databases (gnomAD no frequency). This variant has not been reported in the literature in individuals affected with NRL-related conditions. ClinVar contains an entry for this variant (Variation ID: 1063357). Algorithms developed to predict the effect of missense changes on protein structure and function output the following: SIFT: "Not Available"; PolyPhen-2: "Benign"; Align-GVGD: "Not Available". The serine amino acid residue is found in multiple mammalian species, which suggests that this missense change does not adversely affect protein function. In summary, the available evidence is currently insufficient to determine the role of this variant in disease. Therefore, it has been classified as a Variant of Uncertain Significance.